The following is an entry in ClinVar:

ClinVar aggregate classification (germline): Uncertain significance (1 of 4 stars; one submission).

Submission:

GeneDx
Classification: Uncertain significance. Last evaluated: 2023-05-24. Review status: criteria provided, single submitter. Criteria: GeneDx Variant Classification Process June 2021. Collection method: clinical testing. Allele origin: germline. Affected: yes.
Comment: Not observed at significant frequency in large population cohorts (gnomAD); In silico analysis supports that this missense variant does not alter protein structure/function; Has not been previously published as pathogenic or benign to our knowledge

NM_001145358.2(SIN3A):c.2458A>C (p.Ile820Leu)

Gene: SIN3A (SIN3 transcription regulator family member A; minus strand). Cytogenetic location: 15q24.2.
Variant type: single nucleotide variant.
Coding change: c.2458A>C on transcript NM_001145358.2 (MANE Select); coding-DNA position 2458, A replaced by C.
Protein change: p.Ile820Leu; replaces isoleucine 820 with leucine.
Molecular consequence: missense variant.
Genome position (GRCh38, 1-based): chr15:75,392,635, T>G on the plus strand (A>C on the coding strand, the complement: SIN3A is on the minus strand). VCF-style: chr15-75392635-T-G. GRCh37 (hg19) VCF-style: chr15-75684976-T-G.
Other names: c.2458A>C, p.Ile820Leu (NM_001145357.2, NM_015477.3); short protein forms I820L.
Identifiers: ClinVar variation 3361961 (VCV003361961.1).